The following is an entry in ClinVar:

NM_012470.4(TNPO3):c.804A>C (p.Gln268His)

Gene: TNPO3 (transportin 3; minus strand). Cytogenetic location: 7q32.1.
Variant type: single nucleotide variant.
Coding change: c.804A>C on transcript NM_012470.4 (MANE Select); coding-DNA position 804, A replaced by C.
Protein change: p.Gln268His; replaces glutamine 268 with histidine.
Molecular consequence: missense variant. On other transcripts: non-coding transcript variant (18).
Genome position (GRCh38, 1-based): chr7:129,001,127, T>G on the plus strand (A>C on the coding strand, the complement: TNPO3 is on the minus strand). VCF-style: chr7-129001127-T-G. GRCh37 (hg19) VCF-style: chr7-128641181-T-G.
Other names: c.804A>C, p.Gln268His (NM_001191028.3, NM_001382216.1, NM_001382218.1 and 4 more transcripts); c.885A>C, p.Gln295His (NM_001382217.1); c.660A>C, p.Gln220His (NM_001382221.1); short protein forms Q268H, Q220H, Q295H.
Identifiers: ClinVar variation 2891902 (VCV002891902.3), dbSNP rs886044161, ClinGen allele CA369238862.

ClinVar aggregate classification (germline): Uncertain significance (1 of 4 stars; one submission).

Conditions:
Autosomal dominant limb-girdle muscular dystrophy type 1F (LGMDD2). Also called: MUSCULAR DYSTROPHY, LIMB-GIRDLE, AUTOSOMAL DOMINANT 2; Limb-girdle muscular dystrophy, type 1F. Identifiers: Orphanet 55595, MedGen C1842062, MONDO:0012034, OMIM 608423.

Submission:

Labcorp Genetics (formerly Invitae), Labcorp
Classification: Uncertain significance for Autosomal dominant limb-girdle muscular dystrophy type 1F. Last evaluated: 2023-08-17. Review status: criteria provided, single submitter. Criteria: Invitae Variant Classification Sherloc (09022015). Collection method: clinical testing. Allele origin: germline.
Comment: This variant has not been reported in the literature in individuals affected with TNPO3-related conditions. Advanced modeling of protein sequence and biophysical properties (such as structural, functional, and spatial information, amino acid conservation, physicochemical variation, residue mobility, and thermodynamic stability) performed at Invitae indicates that this missense variant is not expected to disrupt TNPO3 protein function. In summary, the available evidence is currently insufficient to determine the role of this variant in disease. Therefore, it has been classified as a Variant of Uncertain Significance. This variant is not present in population databases (gnomAD no frequency). This sequence change replaces glutamine, which is neutral and polar, with histidine, which is basic and polar, at codon 268 of the TNPO3 protein (p.Gln268His).